The following is an entry in ClinVar:

NM_001379081.2(FREM1):c.4945A>G (p.Ile1649Val)

Gene: FREM1 (FRAS1 related extracellular matrix 1; minus strand). Cytogenetic location: 9p22.3.
Variant type: single nucleotide variant.
Coding change: c.4945A>G on transcript NM_001379081.2 (MANE Select); coding-DNA position 4945, A replaced by G.
Protein change: p.Ile1649Val; replaces isoleucine 1649 with valine.
Molecular consequence: missense variant. On other transcripts: non-coding transcript variant (2).
Genome position (GRCh38, 1-based): chr9:14,770,719, T>C on the plus strand (A>G on the coding strand, the complement: FREM1 is on the minus strand). VCF-style: chr9-14770719-T-C. GRCh37 (hg19) VCF-style: chr9-14770717-T-C.
Other names: c.553A>G, p.Ile185Val (NM_001177704.3, NM_001370058.2, NM_001370061.2); c.4945A>G, p.Ile1649Val (NM_144966.7); short protein forms I185V, I1649V.
Identifiers: ClinVar variation 729685 (VCV000729685.16), dbSNP rs199891537, ClinGen allele CA4989956.

ClinVar aggregate classification (germline): Conflicting classifications of pathogenicity. Review status: criteria provided, conflicting classifications (1 of 4 stars). 6 submissions from 6 submitters: Uncertain significance (2); Likely benign (3). 1 of the submissions does not count toward it. Last evaluated 2026-03-17.

Conditions:
FREM1-related disorder. Also called: FREM1-Related Disorders; FREM1-related condition.
Inborn genetic diseases. Identifiers: MedGen C0950123, MeSH D030342.
Oculotrichoanal syndrome (MOTA). Also called: Manitoba Oculotrichoanal (MOTA) Syndrome; MARLES SYNDROME. Identifiers: Orphanet 2717, MedGen C1855425, MONDO:0009560, OMIM 248450.

Allele frequency attached by ClinVar (database versions not stated): gnomAD 0.00028 and 0.00030; TOPMed 0.00028; gnomAD exomes 0.00033 and 0.00036; ExAC 0.00036.
gnomAD v4.1: 524 of 1,613,290 alleles (0.032%); highest among the groups gnomAD compares: Middle Eastern, 0.15%; no homozygotes.

Submissions (6):

PreventionGenetics, part of Exact Sciences
Classification: Likely benign for FREM1-related condition. Last evaluated: 2026-03-17. Review status: criteria provided, single submitter. Criteria: ACMG Guidelines, 2015. Collection method: clinical testing. Allele origin: germline.
Comment: This variant is classified as likely benign based on ACMG/AMP sequence variant interpretation guidelines (Richards et al. 2015 PMID: 25741868, with internal and published modifications).

Labcorp Genetics (formerly Invitae), Labcorp
Classification: Likely benign. Last evaluated: 2025-12-13. Review status: criteria provided, single submitter. Criteria: Invitae Variant Classification Sherloc (09022015). Collection method: clinical testing. Allele origin: germline.

Blueprint Genetics
Classification: Likely benign. Last evaluated: 2024-09-03. Review status: criteria provided, single submitter. Criteria: ACMG Guidelines, 2015. Collection method: clinical testing. Allele origin: germline.

Ambry Genetics
Classification: Uncertain significance for Inborn genetic diseases. Last evaluated: 2022-06-24. Review status: criteria provided, single submitter. Criteria: Ambry Variant Classification Scheme 2023. Collection method: clinical testing. Allele origin: germline.

Illumina Laboratory Services, Illumina
Classification: Uncertain significance for Oculotrichoanal syndrome. Last evaluated: 2018-01-12. Review status: criteria provided, single submitter. Criteria: ICSL Variant Classification Criteria 13 December 2019. Collection method: clinical testing. Allele origin: germline.

Department of Pathology and Laboratory Medicine, Sinai Health System
Classification: Uncertain significance. Review status: no assertion criteria provided. Collection method: clinical testing. Allele origin: unknown. Affected: yes. Study: The Canadian Open Genetics Repository (COGR). Not counted in ClinVar's aggregate classification.
Comment: The FREM1 p.I1649V variant was not identified in the literature nor was it identified in ClinVar. The variant was identified in dbSNP (ID: rs199891537), Cosmic (found in large intestine carcinoma with a FATHMM prediction score of 0.94, pathogenic) and LOVD 3.0. The variant was also identified in control databases in 99 of 280266 chromosomes (0 homozygous) at a frequency of 0.000353 (Genome Aggregation Database March 6, 2019, v2.1.1). The variant was observed in the following populations: Ashkenazi Jewish in 27 of 10348 chromosomes (freq: 0.002609), European (non-Finnish) in 58 of 128240 chromosomes (freq: 0.000452), South Asian in 11 of 30570 chromosomes (freq: 0.00036), Other in 1 of 7122 chromosomes (freq: 0.00014) and Latino in 2 of 35298 chromosomes (freq: 0.000057), but was not observed in the African, East Asian or European (Finnish) populations. The p.Ile1649 residue is conserved in mammals and computational analyses (PolyPhen-2, SIFT, AlignGVGD, BLOSUM, MutationTaster) provide inconsistent predictions regarding the impact to the protein; this information is not very predictive of pathogenicity. The variant occurs outside of the splicing consensus sequence and in silico or computational prediction software programs (SpliceSiteFinder, MaxEntScan, NNSPLICE, GeneSplicer) do not predict a difference in splicing. In summary, based on the above information the clinical significance of this variant cannot be determined with certainty at this time. This variant is classified as a variant of uncertain significance.